The following is an entry in ClinVar:

NM_003803.4(MYOM1):c.4973A>C (p.Asp1658Ala)

Gene: MYOM1 (myomesin 1; minus strand). Cytogenetic location: 18p11.31.
Variant type: single nucleotide variant.
Coding change: c.4973A>C on transcript NM_003803.4 (MANE Select); coding-DNA position 4973, A replaced by C.
Protein change: p.Asp1658Ala; replaces aspartic acid 1658 with alanine.
Molecular consequence: missense variant.
Genome position (GRCh38, 1-based): chr18:3,067,347, T>G on the plus strand (A>C on the coding strand, the complement: MYOM1 is on the minus strand). VCF-style: chr18-3067347-T-G. GRCh37 (hg19) VCF-style: chr18-3067345-T-G.
Other names: c.4685A>C, p.Asp1562Ala (NM_019856.2); short protein forms D1562A, D1658A.
Identifiers: ClinVar variation 5025273 (VCV005025273.1).

ClinVar aggregate classification (germline): Uncertain significance (1 of 4 stars; one submission).

Submission:

Ambry Genetics
Classification: Uncertain significance. Last evaluated: 2026-07-13. Review status: criteria provided, single submitter. Criteria: Ambry Variant Classification Scheme 2023. Collection method: clinical testing. Allele origin: germline.
Comment: The p.D1658A variant (also known as c.4973A>C), located in coding exon 37 of the MYOM1 gene, results from an A to C substitution at nucleotide position 4973. The aspartic acid at codon 1658 is replaced by alanine, an amino acid with dissimilar properties. This amino acid position is conserved. In addition, the in silico prediction for this alteration is inconclusive. Based on the available evidence, the clinical significance of this variant remains unclear.